The following is an entry in ClinVar:

ClinVar aggregate classification (germline): Likely benign. Review status: reviewed by expert panel (3 of 4 stars). 3 submissions from 3 submitters: Likely benign (1). 2 of the submissions do not count toward it. Last evaluated 2017-06-29.

Conditions:
Hereditary cancer-predisposing syndrome. Also called: Neoplastic Syndromes, Hereditary; Hereditary neoplastic syndrome; Tumor predisposition; Hereditary Cancer Syndrome. Identifiers: Orphanet 140162, MedGen C0027672, MeSH D009386, MONDO:0015356.
Hereditary breast ovarian cancer syndrome. Also called: Hereditary breast and ovarian cancer syndrome (HBOC); BRCA1- and BRCA2-Associated Hereditary Breast and Ovarian Cancer; Hereditary breast and/or ovarian cancer syndrome; Hereditary breast and ovarian cancer syndrome; Hereditary breast and ovarian cancer; Breast and ovarian cancer. Identifiers: Orphanet 145, MedGen C0677776, MeSH D061325, MONDO:0003582. Disease mechanism: loss of function.
Breast-ovarian cancer, familial, susceptibility to, 1 (BROVCA1). Also called: BRCA1 Hereditary Breast and Ovarian Cancer; OVARIAN CANCER, SUSCEPTIBILITY TO. Identifiers: Orphanet 145, MedGen C2676676, MONDO:0011450, OMIM 604370. Disease mechanism: loss of function.

Allele frequency attached by ClinVar (database versions not stated): TOPMed below 0.00001.

Submissions (3):

Evidence-based Network for the Interpretation of Germline Mutant Alleles (ENIGMA)
Classification: Likely benign for Breast-ovarian cancer, familial, susceptibility to, 1. Last evaluated: 2017-06-29. Review status: reviewed by expert panel. Criteria: ENIGMA BRCA1/2 Classification Criteria (2017-06-29). Collection method: curation. Allele origin: germline.
Comment: Synonymous substitution variant, with low bioinformatic likelihood to result in a splicing aberration (Splicing prior probability 0.02).

Labcorp Genetics (formerly Invitae), Labcorp
Classification: Likely benign for Hereditary breast ovarian cancer syndrome. Last evaluated: 2024-10-30. Review status: criteria provided, single submitter. Criteria: Invitae Variant Classification Sherloc (09022015). Collection method: clinical testing. Allele origin: germline. Not counted in ClinVar's aggregate classification.

Ambry Genetics
Classification: Likely benign for Hereditary cancer-predisposing syndrome. Last evaluated: 2022-02-15. Review status: criteria provided, single submitter. Criteria: Ambry Variant Classification Scheme 2023. Collection method: clinical testing. Allele origin: germline. Not counted in ClinVar's aggregate classification.

NM_007294.4(BRCA1):c.4263T>C (p.His1421=)

Gene: BRCA1 (BRCA1 DNA repair associated; minus strand). Cytogenetic location: 17q21.31.
Variant type: single nucleotide variant.
Coding change: c.4263T>C on transcript NM_007294.4 (MANE Select); coding-DNA position 4263, T replaced by C.
Protein change: p.His1421=; no amino-acid change (histidine 1421 retained).
Molecular consequence: synonymous variant.
Genome position (GRCh38, 1-based): chr17:43,082,498, A>G on the plus strand (T>C on the coding strand, the complement: BRCA1 is on the minus strand). VCF-style: chr17-43082498-A-G. GRCh37 (hg19) VCF-style: chr17-41234515-A-G.
Other names: c.4059T>C, p.His1353= (NM_001407875.1, NM_001407874.1); c.4053T>C, p.His1351= (NM_001407879.1, NM_001407881.1, NM_001407882.1 and 9 more transcripts); c.4050T>C, p.His1350= (NM_001407894.1, NM_001407895.1, NM_001407896.1 and 12 more transcripts); c.4047T>C, p.His1349= (NM_001407915.1); c.4140T>C, p.His1380= (NM_001407919.1, NM_001407937.1, NM_001407938.1 and 13 more transcripts); c.3999T>C, p.His1333= (NM_001407920.1, NM_001407921.1, NM_001407922.1 and 7 more transcripts); c.3996T>C, p.His1332= (NM_001407930.1, NM_001407931.1, NM_001407932.1 and 3 more transcripts); c.3993T>C, p.His1331= (NM_001407934.1); and 51 more.
Identifiers: ClinVar variation 427259 (VCV000427259.14), dbSNP rs1131692074, ClinGen allele CA500148400.